The following is an entry in ClinVar:

ClinVar aggregate classification (germline): Likely benign. Review status: criteria provided, multiple submitters, no conflicts (2 of 4 stars). 2 submissions from 2 submitters: Likely benign (2). Last evaluated 2022-11-30.

Conditions:
Malignant hyperthermia, susceptibility to, 1 (MHS1). Also called: RYR1-Related Malignant Hyperthermia Susceptibility; Anesthesia related hyperthermia; Malignant hyperpyrexia; Fulminating hyperpyrexia; Pharmacogenic myopathy; Malignant hyperthermia suceptibility 1. Identifiers: Orphanet 423, MedGen C2930980, MONDO:0007783, OMIM 145600.

Allele frequency attached by ClinVar (database versions not stated): gnomAD exomes below 0.00001.
gnomAD v4.1: 2 of 1,614,236 alleles (0.00012%); highest among the groups gnomAD compares: Non-Finnish European, 0.00017%; no homozygotes.

Submissions (2):

All of Us Research Program, National Institutes of Health
Classification: Likely benign for Malignant hyperthermia, susceptibility to, 1. Last evaluated: 2022-11-30. Review status: criteria provided, single submitter. Criteria: ACMG Guidelines, 2015. Collection method: clinical testing. Allele origin: germline. Inheritance: Autosomal dominant inheritance. Observed: 1 variant allele, 1 heterozygote.
Comment: This study involves interpretation of variants in research participants for the purpose of population health screening. Participant phenotype was not available at the time of variant classification. Additional details can be found in publication PMID: 35346344, PMCID: PMC8962531

PreventionGenetics, part of Exact Sciences
Classification: Likely benign. Review status: criteria provided, single submitter. Criteria: ACMG Guidelines, 2015. Collection method: clinical testing. Allele origin: germline.

NM_000540.3(RYR1):c.10350C>T (p.Asn3450=)

Gene: RYR1 (ryanodine receptor 1; plus strand). Cytogenetic location: 19q13.2.
Variant type: single nucleotide variant.
Coding change: c.10350C>T on transcript NM_000540.3 (MANE Select); coding-DNA position 10350, C replaced by T.
Protein change: p.Asn3450=; no amino-acid change (asparagine 3450 retained).
Molecular consequence: synonymous variant.
Genome position (GRCh38, 1-based): chr19:38,523,219, C>T. VCF-style: chr19-38523219-C-T. GRCh37 (hg19) VCF-style: chr19-39013859-C-T.
Other names: c.10350C>T, p.Asn3450= (NM_001042723.2).
Identifiers: ClinVar variation 256389 (VCV000256389.4), dbSNP rs886038311, ClinGen allele CA079830.